The following is an entry in ClinVar:

NC_000018.9:g.(?_29121136)_(29178638_?)dup

Genes: DSG2 (desmoglein 2; plus strand), TTR (transthyretin; plus strand). Cytogenetic location: 18q12.1.
Variant type: Duplication.
Identifiers: ClinVar variation 3242754 (VCV003242754.1).

ClinVar aggregate classification (germline): Uncertain significance (1 of 4 stars; one submission).

Conditions:
Arrhythmogenic right ventricular dysplasia 10. Also called: Arrhythmogenic Right Ventricular Dysplasia/Cardiomyopathy10; Arrhythmogenic right ventricular dysplasia/cardiomyopathy, type 10; ARRHYTHMOGENIC RIGHT VENTRICULAR DYSPLASIA, FAMILIAL, 10. Identifiers: MedGen C1857777, MONDO:0012434, OMIM 610193.

Submission:

Labcorp Genetics (formerly Invitae), Labcorp
Classification: Uncertain significance for Arrhythmogenic right ventricular dysplasia 10. Last evaluated: 2022-12-23. Review status: criteria provided, single submitter. Criteria: Invitae Variant Classification Sherloc (09022015). Collection method: clinical testing. Allele origin: unknown.
Comment: In summary, the available evidence is currently insufficient to determine the role of this variant in disease. Therefore, it has been classified as a Variant of Uncertain Significance. This variant has not been reported in the literature in individuals affected with DSG2-related conditions. This variant results in a copy number gain of the genomic region encompassing exon(s) 13-15 of the DSG2 gene. This region includes the termination codon of the gene. This copy number gain extends beyond the assayed region for this gene and therefore may encompass additional genes. As the precise location of this event is unknown, it may be in tandem or it may be located elsewhere in the genome.